The following is an entry in ClinVar:

NM_015192.4(PLCB1):c.3095G>A (p.Arg1032Gln)

Gene: PLCB1 (phospholipase C beta 1; plus strand). Cytogenetic location: 20p12.3.
Variant type: single nucleotide variant.
Coding change: c.3095G>A on transcript NM_015192.4 (MANE Select); coding-DNA position 3095, G replaced by A.
Protein change: p.Arg1032Gln; replaces arginine 1032 with glutamine.
Molecular consequence: missense variant.
Genome position (GRCh38, 1-based): chr20:8,774,703, G>A. VCF-style: chr20-8774703-G-A. GRCh37 (hg19) VCF-style: chr20-8755350-G-A.
Other names: c.3095G>A (NM_015192.2); c.3095G>A, p.Arg1032Gln (NM_182734.3); short protein forms R1032Q.
Identifiers: ClinVar variation 538880 (VCV000538880.12), dbSNP rs780373377, ClinGen allele CA9760450.

ClinVar aggregate classification (germline): Uncertain significance. Review status: criteria provided, multiple submitters, no conflicts (2 of 4 stars). 5 submissions from 5 submitters: Uncertain significance (5). Last evaluated 2025-05-23.

Conditions:
Developmental and epileptic encephalopathy, 12 (DEE12). Identifiers: MedGen C3150988, MONDO:0013389, OMIM 613722.
Inborn genetic diseases. Identifiers: MedGen C0950123, MeSH D030342.

Allele frequency attached by ClinVar (database versions not stated): gnomAD 0.00001; gnomAD exomes 0.00004 and 0.00011; ExAC 0.00005; TOPMed 0.00005.
gnomAD v4.1: 56 of 1,602,604 alleles (0.0035%); highest among the groups gnomAD compares: Admixed American, 0.053%; no homozygotes.

Submissions (5):

GeneDx
Classification: Uncertain significance. Last evaluated: 2025-05-23. Review status: criteria provided, single submitter. Criteria: GeneDx Variant Classification Process June 2021. Collection method: clinical testing. Allele origin: germline. Affected: yes.
Comment: In silico analysis suggests that this missense variant does not alter protein structure/function; Has not been previously published as pathogenic or benign to our knowledge

Labcorp Genetics (formerly Invitae), Labcorp
Classification: Uncertain significance for Developmental and epileptic encephalopathy, 12. Last evaluated: 2022-09-07. Review status: criteria provided, single submitter. Criteria: Invitae Variant Classification Sherloc (09022015). Collection method: clinical testing. Allele origin: germline.
Comment: This sequence change replaces arginine, which is basic and polar, with glutamine, which is neutral and polar, at codon 1032 of the PLCB1 protein (p.Arg1032Gln). This variant is present in population databases (rs780373377, gnomAD 0.07%). This variant has not been reported in the literature in individuals affected with PLCB1-related conditions. ClinVar contains an entry for this variant (Variation ID: 538880). Algorithms developed to predict the effect of missense changes on protein structure and function (SIFT, PolyPhen-2, Align-GVGD) all suggest that this variant is likely to be tolerated. In summary, the available evidence is currently insufficient to determine the role of this variant in disease. Therefore, it has been classified as a Variant of Uncertain Significance.

Ambry Genetics
Classification: Uncertain significance for Inborn genetic diseases. Last evaluated: 2020-11-19. Review status: criteria provided, single submitter. Criteria: Ambry Variant Classification Scheme 2023. Collection method: clinical testing. Allele origin: germline.

Blueprint Genetics
Classification: Uncertain significance. Last evaluated: 2020-05-06. Review status: criteria provided, single submitter. Criteria: ACMG Guidelines, 2015. Collection method: clinical testing. Allele origin: germline.

Fulgent Genetics
Classification: Uncertain significance for Developmental and epileptic encephalopathy, 12. Last evaluated: 2018-10-31. Review status: criteria provided, single submitter. Criteria: ACMG Guidelines, 2015. Collection method: clinical testing. Allele origin: unknown.